The following is an entry in ClinVar:

ClinVar aggregate classification (germline): Uncertain significance. Review status: criteria provided, multiple submitters, no conflicts (2 of 4 stars). 2 submissions from 2 submitters: Uncertain significance (2). Last evaluated 2025-06-06.

Conditions:
Inborn genetic diseases. Identifiers: MedGen C0950123, MeSH D030342.

Allele frequency attached by ClinVar (database versions not stated): ExAC 0.00001.
gnomAD v4.1: 1 of 1,613,194 alleles (0.000062%); highest among the groups gnomAD compares: Non-Finnish European, 0.000085%; no homozygotes.

Submissions (2):

Labcorp Genetics (formerly Invitae), Labcorp
Classification: Uncertain significance. Last evaluated: 2025-06-06. Review status: criteria provided, single submitter. Criteria: Invitae Variant Classification Sherloc (09022015). Collection method: clinical testing. Allele origin: germline.
Comment: This sequence change replaces arginine, which is basic and polar, with serine, which is neutral and polar, at codon 139 of the DSG1 protein (p.Arg139Ser). This variant is present in population databases (rs747052043, gnomAD 0.0009%). This variant has not been reported in the literature in individuals affected with DSG1-related conditions. ClinVar contains an entry for this variant (Variation ID: 2492742). Invitae Evidence Modeling of protein sequence and biophysical properties (such as structural, functional, and spatial information, amino acid conservation, physicochemical variation, residue mobility, and thermodynamic stability) indicates that this missense variant is not expected to disrupt DSG1 protein function with a negative predictive value of 80%. In summary, the available evidence is currently insufficient to determine the role of this variant in disease. Therefore, it has been classified as a Variant of Uncertain Significance.

Ambry Genetics
Classification: Uncertain significance for Inborn genetic diseases. Last evaluated: 2023-03-01. Review status: criteria provided, single submitter. Criteria: Ambry Variant Classification Scheme 2023. Collection method: clinical testing. Allele origin: germline.

NM_001942.4(DSG1):c.417G>T (p.Arg139Ser)

Gene: DSG1 (desmoglein 1; plus strand). Cytogenetic location: 18q12.1.
Variant type: single nucleotide variant.
Coding change: c.417G>T on transcript NM_001942.4 (MANE Select); coding-DNA position 417, G replaced by T.
Protein change: p.Arg139Ser; replaces arginine 139 with serine.
Molecular consequence: missense variant.
Genome position (GRCh38, 1-based): chr18:31,329,936, G>T. VCF-style: chr18-31329936-G-T. GRCh37 (hg19) VCF-style: chr18-28909899-G-T.
Other names: short protein forms R139S.
Identifiers: ClinVar variation 2492742 (VCV002492742.3), dbSNP rs747052043, ClinGen allele CA8925840.